The following is an entry in ClinVar:

ClinVar aggregate classification (germline): Pathogenic/Likely pathogenic. Review status: criteria provided, multiple submitters, no conflicts (2 of 4 stars). 3 submissions from 3 submitters: Pathogenic (2); Likely pathogenic (1). Last evaluated 2025-04-09.

Conditions:
Hereditary cancer-predisposing syndrome. Also called: Tumor predisposition; Hereditary neoplastic syndrome; Neoplastic Syndromes, Hereditary; Hereditary Cancer Syndrome. Identifiers: Orphanet 140162, MedGen C0027672, MeSH D009386, MONDO:0015356.
Familial cancer of breast. Also called: Hereditary breast cancer; hereditary breast carcinoma; BREAST CANCER, FAMILIAL. Identifiers: Orphanet 227535, MedGen C0346153, MONDO:0016419, OMIM 114480. Disease mechanism: loss of function.

Submissions (3):

Molecular Diagnostics Laboratory, Catalan Institute of Oncology
Classification: Likely pathogenic for Hereditary cancer-predisposing syndrome. Last evaluated: 2025-04-09. Review status: criteria provided, single submitter. Criteria: ACMG Guidelines, 2015. Collection method: clinical testing. Allele origin: germline.
Comment: PVS1. PM2_Supporting c.1367C>G, located in exon 12 of the CHEK2 gene, is a nonsense variant expected to result in loss of function by premature protein truncation and nonsense-mediated mRNA decay (PVS1). It is not present in the population database gnomAD v2.1.1, non cancer dataset (PM2_supporting). To our knowledge, neither relevant clinical data nor well-stablished functional studies have been reported for this variant. It has been reported tiwce in ClinVar, as a pathogenic variant. Based on the currently available information, c.1367C>G is classified as a likely pathogenic variant according to ACMG guidelines.

Myriad Genetics, Inc.
Classification: Pathogenic for Familial cancer of breast. Last evaluated: 2023-06-28. Review status: criteria provided, single submitter. Criteria: Myriad Autosomal Dominant, Autosomal Recessive and X-Linked Classification Criteria (2023). Collection method: clinical testing. Allele origin: unknown.
Comment: This variant is considered pathogenic. This variant creates a termination codon and is predicted to result in premature protein truncation.

Labcorp Genetics (formerly Invitae), Labcorp
Classification: Pathogenic for Familial cancer of breast. Last evaluated: 2020-03-10. Review status: criteria provided, single submitter. Criteria: Invitae Variant Classification Sherloc (09022015). Collection method: clinical testing. Allele origin: germline.
Comment: Loss-of-function variants in CHEK2 are known to be pathogenic (PMID: 21876083, 24713400). For these reasons, this variant has been classified as Pathogenic. This variant has not been reported in the literature in individuals with CHEK2-related conditions. This sequence change creates a premature translational stop signal (p.Ser456*) in the CHEK2 gene. It is expected to result in an absent or disrupted protein product. This variant is not present in population databases (ExAC no frequency).

Literature cited by the submitters: PubMed 21876083 (cited by Labcorp Genetics (formerly Invitae), Labcorp); PubMed 24713400 (cited by Labcorp Genetics (formerly Invitae), Labcorp).

NM_007194.4(CHEK2):c.1367C>G (p.Ser456Ter)

Gene: CHEK2 (checkpoint kinase 2; minus strand). Cytogenetic location: 22q12.1.
Variant type: single nucleotide variant.
Coding change: c.1367C>G on transcript NM_007194.4 (MANE Select); coding-DNA position 1367, C replaced by G.
Protein change: p.Ser456Ter; replaces serine 456 with a stop codon.
Molecular consequence: nonsense.
Genome position (GRCh38, 1-based): chr22:28,695,135, G>C on the plus strand (C>G on the coding strand, the complement: CHEK2 is on the minus strand). VCF-style: chr22-28695135-G-C. GRCh37 (hg19) VCF-style: chr22-29091123-G-C.
Other names: c.1496C>G, p.Ser499Ter (NM_001005735.3); c.704C>G, p.Ser235Ter (NM_001257387.3); c.1166C>G, p.Ser389Ter (NM_001349956.3); c.1280C>G, p.Ser427Ter (NM_145862.3); short protein forms S235*, S389*, S427*, S456*, S499*.
Identifiers: ClinVar variation 1071915 (VCV001071915.10), dbSNP rs876659827, ClinGen allele CA411095395.